The following is an entry in ClinVar:

NM_000390.4(CHM):c.133G>T (p.Gly45Ter)

Gene: CHM (CHM Rab escort protein; minus strand). Cytogenetic location: Xq21.2.
Variant type: single nucleotide variant.
Coding change: c.133G>T on transcript NM_000390.4 (MANE Select); coding-DNA position 133, G replaced by T.
Protein change: p.Gly45Ter; replaces glycine 45 with a stop codon.
Molecular consequence: nonsense. On other transcripts: 5 prime UTR variant (4).
Genome position (GRCh38, 1-based): chrX:85,981,793, C>A on the plus strand (G>T on the coding strand, the complement: CHM is on the minus strand). VCF-style: chrX-85981793-C-A. GRCh37 (hg19) VCF-style: chrX-85236797-C-A.
Other names: c.133G>T (LRG_699t1); c.133G>T, p.Gly45Ter (NM_001145414.4); c.-312G>T (NM_001320959.1, NM_001362517.1); c.-308G>T (NM_001362518.2, NM_001362519.1); short protein forms G45*.
Identifiers: ClinVar variation 379873 (VCV000379873.2), dbSNP rs1057520765, ClinGen allele CA16608617.

ClinVar aggregate classification (germline): Pathogenic (1 of 4 stars; one submission).

Submission:

GeneDx
Classification: Pathogenic. Last evaluated: 2015-05-26. Review status: criteria provided, single submitter. Criteria: GeneDx Variant Classification (06012015). Collection method: clinical testing. Allele origin: germline. Affected: yes.
Comment: The G45X nonsense variant in the CHM gene is predicted to cause loss of normal protein function either through protein truncation or nonsense-mediated mRNA decay. Nonsense variants in nearby residues (Y42X, G44X, W47X) have been reported in the Human Gene Mutation Database in association with choroideremia (Stenson et al., 2014), supporting the functional importance of this region of the protein. Although this variant has not been reported previously to our knowledge, we consider it to be pathogenic.